The following is an entry in ClinVar:

NM_001379081.2(FREM1):c.1248A>G (p.Val416=)

Gene: FREM1 (FRAS1 related extracellular matrix 1; minus strand). Cytogenetic location: 9p22.3.
Variant type: single nucleotide variant.
Coding change: c.1248A>G on transcript NM_001379081.2 (MANE Select); coding-DNA position 1248, A replaced by G.
Protein change: p.Val416=; no amino-acid change (valine 416 retained).
Molecular consequence: synonymous variant. On other transcripts: non-coding transcript variant (4).
Genome position (GRCh38, 1-based): chr9:14,848,678, T>C on the plus strand (A>G on the coding strand, the complement: FREM1 is on the minus strand). VCF-style: chr9-14848678-T-C. GRCh37 (hg19) VCF-style: chr9-14848676-T-C.
Other names: c.1275A>G, p.Val425= (NM_001370060.1); c.1248A>G, p.Val416= (NM_001370063.1, NM_001370065.1, NM_144966.7).
Identifiers: ClinVar variation 4983031 (VCV004983031.1).

ClinVar aggregate classification (germline): Likely benign (1 of 4 stars; one submission).

Conditions:
FREM1-related disorder. Also called: FREM1-related condition; FREM1-Related Disorders.

gnomAD v4.1: 2 of 1,604,220 alleles (0.00012%); highest among the groups gnomAD compares: Non-Finnish European, 0.00017%; no homozygotes.

Submission:

PreventionGenetics, part of Exact Sciences
Classification: Likely benign for FREM1-related condition. Last evaluated: 2025-01-16. Review status: criteria provided, single submitter. Criteria: ACMG Guidelines, 2015. Collection method: clinical testing. Allele origin: germline.
Comment: This variant is classified as likely benign based on ACMG/AMP sequence variant interpretation guidelines (Richards et al. 2015 PMID: 25741868, with internal and published modifications).